The following is an entry in ClinVar:

NM_003482.4(KMT2D):c.11819_11836dup (p.Leu3940_Gln3945dup)

Gene: KMT2D (lysine methyltransferase 2D; minus strand). Cytogenetic location: 12q13.12.
Variant type: Duplication.
Coding change: c.11819_11836dup on transcript NM_003482.4 (MANE Select); coding-DNA positions 11819 to 11836, 18 bases duplicated (TTCAACAACAGCAGCAGC).
Protein change: p.Leu3940_Gln3945dup.
Molecular consequence: inframe insertion.
Genome position (GRCh38, 1-based): chr12:49,032,869-49,032,886, GCTGCTGCTGTTGTTGAA duplicated on the plus strand (TTCAACAACAGCAGCAGC on the coding strand, the reverse complement: KMT2D is on the minus strand); duplicating any 18 consecutive bases within chr12:49,032,869-49,032,896 gives the same sequence; the c. name uses the placement nearest the transcript's 3' end. VCF-style (leftmost placement, unchanged base first): chr12-49032868-T-TGCTGCTGCTGTTGTTGAA. GRCh37 (hg19) VCF-style: chr12-49426651-T-TGCTGCTGCTGTTGTTGAA.
Other names: c.11819_11836dupTTCAACAACAGCAGCAGC (NM_003482.3).
Identifiers: ClinVar variation 1678720 (VCV001678720.10), dbSNP rs1160407199, ClinGen allele CA605233611.

ClinVar aggregate classification (germline): Conflicting classifications of pathogenicity. Review status: criteria provided, conflicting classifications (1 of 4 stars). 5 submissions from 5 submitters: Uncertain significance (1); Likely benign (3). 1 of the submissions does not count toward it. Last evaluated 2025-10-26.

Conditions:
Choanal atresia-athelia-hypothyroidism-delayed puberty-short stature syndrome (BCAHH). Also called: BRANCHIAL ARCH ABNORMALITIES, CHOANAL ATRESIA, ATHELIA, HEARING LOSS, AND HYPOTHYROIDISM SYNDROME. Identifiers: Orphanet 589856, MedGen C5680310, MONDO:0035651, OMIM 620186.
Kabuki syndrome 1 (KABUK1). Also called: KMT2D-Related Kabuki Syndrome. Identifiers: Orphanet 2322, MedGen CN030661, MONDO:0007843, OMIM 147920.
KMT2D-related disorder. Also called: KMT2D-Related Disorders.
Inborn genetic diseases. Identifiers: MedGen C0950123, MeSH D030342.
Kabuki syndrome. Also called: NIIKAWA-KUROKI SYNDROME; Kabuki make-up syndrome. Identifiers: Orphanet 2322, MedGen C0796004, MONDO:0016512.

Submissions (5):

Labcorp Genetics (formerly Invitae), Labcorp
Classification: Uncertain significance for Kabuki syndrome. Last evaluated: 2025-10-26. Review status: criteria provided, single submitter. Criteria: Invitae Variant Classification Sherloc (09022015). Collection method: clinical testing. Allele origin: germline.
Comment: This variant, c.11819_11836dup, results in the insertion of 6 amino acid(s) of the KMT2D protein (p.Leu3940_Gln3945dup), but otherwise preserves the integrity of the reading frame. The frequency data for this variant in the population databases is considered unreliable, as metrics indicate poor data quality at this position in the gnomAD database. This variant has been observed in individual(s) with Kabuki syndrome (PMID: 21658225). This variant has been observed in at least one individual who was not affected with KMT2D-related conditions (internal data). ClinVar contains an entry for this variant (Variation ID: 1678720). Experimental studies and prediction algorithms are not available or were not evaluated, and the functional significance of this variant is currently unknown. In summary, the available evidence is currently insufficient to determine the role of this variant in disease. Therefore, it has been classified as a Variant of Uncertain Significance.

Fulgent Genetics
Classification: Likely benign for Kabuki syndrome 1; Choanal atresia-athelia-hypothyroidism-delayed puberty-short stature syndrome. Last evaluated: 2024-04-07. Review status: criteria provided, single submitter. Criteria: ACMG Guidelines, 2015. Collection method: clinical testing. Allele origin: germline.

Ambry Genetics
Classification: Likely benign for Inborn genetic diseases. Last evaluated: 2022-02-28. Review status: criteria provided, single submitter. Criteria: Ambry Variant Classification Scheme 2023. Collection method: clinical testing. Allele origin: germline.

GeneDx
Classification: Likely benign. Last evaluated: 2019-01-28. Review status: criteria provided, single submitter. Criteria: GeneDx Variant Classification Process June 2021. Collection method: clinical testing. Allele origin: germline. Affected: yes.
Comment: See Variant Classification Assertion Criteria.

PreventionGenetics, part of Exact Sciences
Classification: Uncertain significance for KMT2D-related condition. Last evaluated: 2023-12-15. Review status: no assertion criteria provided. Collection method: clinical testing. Allele origin: germline. Not counted in ClinVar's aggregate classification.
Comment: The KMT2D c.11819_11836dup18 variant is predicted to result in an in-frame duplication (p.Leu3940_Gln3945dup). This variant was reported in a study of individuals with Kabuki syndrome (Table S3, Micale et al. 2011. PubMed ID: 21658225) and was also reported in a study of DNA methylation episignature testing of individuals with chromatinopathies (Table S3, Kerkhof et al. 2021. PubMed ID: 34906459). This variant is reported in 0.012% of alleles in individuals of African descent in gnomAD. At this time, the clinical significance of this variant is uncertain due to the absence of conclusive functional and genetic evidence.

Literature cited by the submitters: PubMed 21658225 (cited by Labcorp Genetics (formerly Invitae), Labcorp).